The following is an entry in ClinVar:

NM_000152.5(GAA):c.2189+1201C>A

Gene: GAA (alpha glucosidase; plus strand). Cytogenetic location: 17q25.3.
Variant type: single nucleotide variant.
Coding change: c.2189+1201C>A on transcript NM_000152.5 (MANE Select); 1201 bases into the intron after coding-DNA position 2189, C replaced by A.
Molecular consequence: intron variant.
Genome position (GRCh38, 1-based): chr17:80,114,567, C>A. VCF-style: chr17-80114567-C-A. GRCh37 (hg19) VCF-style: chr17-78088366-C-A.
Other names: c.2189+1201C>A (NM_001406741.1, NM_001406742.1, NM_001079803.3 and 1 more transcripts).
Identifiers: ClinVar variation 4876357 (VCV004876357.1).

ClinVar aggregate classification (germline): Benign (1 of 4 stars; one submission).

Conditions:
Glycogen storage disease, type II (IOPD). Also called: Pompe Disease; CARDIOMEGALIA GLYCOGENICA DIFFUSA; GLYCOGENOSIS, GENERALIZED, CARDIAC FORM; GSD II; POMPE DISEASE, INFANTILE-ONSET; GLYCOGEN STORAGE DISEASE II, INFANTILE-ONSET. Identifiers: Orphanet 365, MedGen C0017921, MONDO:0009290, OMIM 232300.

gnomAD v4.1: 6,636 of 152,166 alleles (4.4%); highest among the groups gnomAD compares: East Asian, 24%; 302 homozygotes.

Submission:

Genomenon, Inc
Classification: Benign for Glycogen storage disease, type II. Last evaluated: 2026-07-01. Review status: criteria provided, single submitter. Criteria: Genomenon Sequence Variant Interpretation Standards - Updated. Collection method: curation. Allele origin: germline. Affected: no.
Comment: GAA c.2189+1201C>A is an intronic variant located in intron 15. This variant is present at high allele frequency in population databases. We classify GAA c.2189+1201C>A as a benign variant.